The following is an entry in ClinVar:

ClinVar aggregate classification (germline): Conflicting classifications of pathogenicity. Review status: criteria provided, conflicting classifications (1 of 4 stars). 2 submissions from 2 submitters: Uncertain significance (1); Likely benign (1). Last evaluated 2025-02-01.

Allele frequency attached by ClinVar (database versions not stated): gnomAD 0.00009; TOPMed 0.00009; ExAC 0.00012; gnomAD exomes 0.00018; 1000 Genomes Project 0.00040; 1000 Genomes Project 30x 0.00047.
gnomAD v4.1: 271 of 1,613,858 alleles (0.017%); highest among the groups gnomAD compares: East Asian, 0.027%; no homozygotes.

Submissions (2):

CeGaT Center for Human Genetics Tuebingen
Classification: Likely benign. Last evaluated: 2025-02-01. Review status: criteria provided, single submitter. Criteria: CeGaT Center For Human Genetics Tuebingen Variant Classification Criteria Version 2. Collection method: clinical testing. Allele origin: germline. Affected: yes. Observed: 1 variant allele.
Comment: CELSR1: BP4, BS2

GeneDx
Classification: Uncertain significance. Last evaluated: 2023-02-09. Review status: criteria provided, single submitter. Criteria: GeneDx Variant Classification Process June 2021. Collection method: clinical testing. Allele origin: germline. Affected: yes.
Comment: Identified in a family with bicuspid aortic valve; however the proband also harbored variants in other genes on this analysis (Theis et al., 2022); Identified in a patient from a cohort of individuals with isolated spina bifida, however it is unknown whether this individual was screened for variants in other genes associated with this phenotype (Lei et al., 2014); In silico analysis supports that this missense variant has a deleterious effect on protein structure/function; This variant is associated with the following publications: (PMID: 27597235, 31590237, 24632739, 35133174)

NM_001378328.1(CELSR1):c.7489C>T (p.Arg2497Cys)

Genes: CELSR1 (cadherin EGF LAG seven-pass G-type receptor 1; minus strand), LOC121627952 (CDK7 strongly-dependent group 2 enhancer GRCh37_chr22:46772879-46774078; plus strand). Cytogenetic location: 22q13.31.
Variant type: single nucleotide variant.
Coding change: c.7489C>T on transcript NM_001378328.1 (MANE Select); coding-DNA position 7489, C replaced by T.
Protein change: p.Arg2497Cys; replaces arginine 2497 with cysteine.
Molecular consequence: missense variant.
Genome position (GRCh38, 1-based): chr22:46,377,156, G>A on the plus strand (C>T on the coding strand, the complement: CELSR1 is on the minus strand). VCF-style: chr22-46377156-G-A. GRCh37 (hg19) VCF-style: chr22-46773053-G-A.
Other names: c.7489C>T, p.Arg2497Cys (NM_014246.4); short protein forms R2497C.
Identifiers: ClinVar variation 2575749 (VCV002575749.14), dbSNP rs200072284, ClinGen allele CA10293348.
Genomic context (GRCh38, chr22:46,377,156, plus strand): 5'-CCAGCTGAGAGAGGAAGAGCGCCACGGCGAGGTGCTTGTGAATGCTGTGCAGGTTGGAGC[G>A]CAGCATGCGGACCAGGCTCAGGAGGACGAAGGCCACCAGCAGGGCTGCCAGTGACAAGGA-3'
Protein context (NP_001365257.1, residues 2487-2507): FVLLSLVRML[Arg2497Cys]SNLHSIHKHL